The following is an entry in ClinVar:

ClinVar aggregate classification (germline): Benign/Likely benign. Review status: criteria provided, multiple submitters, no conflicts (2 of 4 stars). 3 submissions from 3 submitters: Benign (1); Likely benign (2). Last evaluated 2026-07-09.

Conditions:
Hereditary cancer-predisposing syndrome. Also called: Hereditary Cancer Syndrome; Hereditary neoplastic syndrome; Neoplastic Syndromes, Hereditary; Tumor predisposition. Identifiers: Orphanet 140162, MedGen C0027672, MeSH D009386, MONDO:0015356.
Rhabdoid tumor predisposition syndrome 2 (RTPS2). Identifiers: Orphanet 231108, Orphanet 69077, MedGen C2750074, MONDO:0013224, OMIM 613325.

Allele frequency attached by ClinVar (database versions not stated): ExAC 0.00001; TOPMed 0.00001; gnomAD 0.00001; gnomAD exomes 0.00002.
gnomAD v4.1: 11 of 1,605,280 alleles (0.00069%); highest among the groups gnomAD compares: East Asian, 0.011%; no homozygotes.

Submissions (3):

Myriad Genetics, Inc.
Classification: Benign for Rhabdoid tumor predisposition syndrome 2. Last evaluated: 2026-07-09. Review status: criteria provided, single submitter. Criteria: Myriad Autosomal Dominant, Autosomal Recessive and X-Linked Classification Criteria (2023). Collection method: clinical testing. Allele origin: unknown.
Comment: This variant is considered benign. This variant is a silent/synonymous amino acid change and it is not expected to impact splicing.

Labcorp Genetics (formerly Invitae), Labcorp
Classification: Likely benign for Rhabdoid tumor predisposition syndrome 2. Last evaluated: 2026-01-02. Review status: criteria provided, single submitter. Criteria: Invitae Variant Classification Sherloc (09022015). Collection method: clinical testing. Allele origin: germline.

Ambry Genetics
Classification: Likely benign for Hereditary cancer-predisposing syndrome. Last evaluated: 2018-03-02. Review status: criteria provided, single submitter. Criteria: Ambry Variant Classification Scheme 2023. Collection method: clinical testing. Allele origin: germline.

NM_003072.5(SMARCA4):c.1008G>A (p.Pro336=)

Gene: SMARCA4 (SWI/SNF related BAF chromatin remodeling complex subunit ATPase 4; plus strand). Cytogenetic location: 19p13.2.
Variant type: single nucleotide variant.
Coding change: c.1008G>A on transcript NM_003072.5 (MANE Select); coding-DNA position 1008, G replaced by A.
Protein change: p.Pro336=; no amino-acid change (proline 336 retained).
Molecular consequence: synonymous variant. On other transcripts: non-coding transcript variant (1).
Genome position (GRCh38, 1-based): chr19:10,987,814, G>A. VCF-style: chr19-10987814-G-A. GRCh37 (hg19) VCF-style: chr19-11098490-G-A.
Other names: c.1008G>A, p.Pro336= (NM_001128844.3, NM_001128845.2, NM_001128846.2 and 5 more transcripts).
Identifiers: ClinVar variation 415110 (VCV000415110.17), dbSNP rs749986864, ClinGen allele CA9203654.